The following is an entry in ClinVar:

ClinVar aggregate classification (germline): Uncertain significance. Review status: criteria provided, multiple submitters, no conflicts (2 of 4 stars). 2 submissions from 2 submitters: Uncertain significance (2). Last evaluated 2023-12-22.

Conditions:
Inborn genetic diseases. Identifiers: MedGen C0950123, MeSH D030342.
Immunodeficiency 19 (IMD19). Also called: CD3-DELTA DEFICIENCY; SEVERE COMBINED IMMUNODEFICIENCY, T CELL-NEGATIVE, B CELL-POSITIVE, NK CELL-POSITIVE; SCID, T CELL-NEGATIVE, B CELL-POSITIVE, NK CELL-POSITIVE; IMMUNODEFICIENCY 19, SEVERE COMBINED. Identifiers: MedGen C3810147, MONDO:0014280, OMIM 615617.

Allele frequency attached by ClinVar (database versions not stated): gnomAD 0.00002; gnomAD exomes 0.00006; ExAC 0.00010; 1000 Genomes Project 30x 0.00031; 1000 Genomes Project 0.00040.
gnomAD v4.1: 84 of 1,614,134 alleles (0.0052%); highest among the groups gnomAD compares: South Asian, 0.088%; no homozygotes.

Submissions (2):

Ambry Genetics
Classification: Uncertain significance for Inborn genetic diseases. Last evaluated: 2023-12-22. Review status: criteria provided, single submitter. Criteria: Ambry Variant Classification Scheme 2023. Collection method: clinical testing. Allele origin: germline.

Labcorp Genetics (formerly Invitae), Labcorp
Classification: Uncertain significance for Immunodeficiency 19. Last evaluated: 2022-08-12. Review status: criteria provided, single submitter. Criteria: Invitae Variant Classification Sherloc (09022015). Collection method: clinical testing. Allele origin: germline.
Comment: This sequence change replaces isoleucine, which is neutral and non-polar, with threonine, which is neutral and polar, at codon 78 of the CD3D protein (p.Ile78Thr). This variant is present in population databases (rs528486045, gnomAD 0.1%). This variant has not been reported in the literature in individuals affected with CD3D-related conditions. Algorithms developed to predict the effect of missense changes on protein structure and function output the following: SIFT: "Tolerated"; PolyPhen-2: "Benign"; Align-GVGD: "Class C0". The threonine amino acid residue is found in multiple mammalian species, which suggests that this missense change does not adversely affect protein function. In summary, the available evidence is currently insufficient to determine the role of this variant in disease. Therefore, it has been classified as a Variant of Uncertain Significance.

NM_000732.6(CD3D):c.233T>C (p.Ile78Thr)

Gene: CD3D (CD3 delta subunit of T-cell receptor complex; minus strand). Cytogenetic location: 11q23.3.
Variant type: single nucleotide variant.
Coding change: c.233T>C on transcript NM_000732.6 (MANE Select); coding-DNA position 233, T replaced by C.
Protein change: p.Ile78Thr; replaces isoleucine 78 with threonine.
Molecular consequence: missense variant.
Genome position (GRCh38, 1-based): chr11:118,340,416, A>G on the plus strand (T>C on the coding strand, the complement: CD3D is on the minus strand). VCF-style: chr11-118340416-A-G. GRCh37 (hg19) VCF-style: chr11-118211131-A-G.
Other names: c.233T>C, p.Ile78Thr (NM_001040651.2); short protein forms I78T.
Identifiers: ClinVar variation 1904316 (VCV001904316.3), dbSNP rs528486045, ClinGen allele CA6301968.